The following is an entry in ClinVar:

ClinVar aggregate classification (germline): Uncertain significance (1 of 4 stars; one submission).

Conditions:
Nephronophthisis. Also called: Juvenile Nephronophthisis. Identifiers: Orphanet 655, MedGen C0687120, MONDO:0019005, HP:0000090.

Allele frequency attached by ClinVar (database versions not stated): gnomAD exomes below 0.00001.
gnomAD v4.1: 2 of 1,614,144 alleles (0.00012%); highest among the groups gnomAD compares: Non-Finnish European, 0.00017%; no homozygotes.

Submission:

Labcorp Genetics (formerly Invitae), Labcorp
Classification: Uncertain significance for Nephronophthisis. Last evaluated: 2023-04-18. Review status: criteria provided, single submitter. Criteria: Invitae Variant Classification Sherloc (09022015). Collection method: clinical testing. Allele origin: germline.
Comment: This sequence change replaces proline, which is neutral and non-polar, with threonine, which is neutral and polar, at codon 717 of the INVS protein (p.Pro717Thr). This variant is not present in population databases (gnomAD no frequency). This variant has not been reported in the literature in individuals affected with INVS-related conditions. An algorithm developed to predict the effect of missense changes on protein structure and function (PolyPhen-2) suggests that this variant¬¨‚Ä† is likely to be tolerated. In summary, the available evidence is currently insufficient to determine the role of this variant in disease. Therefore, it has been classified as a Variant of Uncertain Significance.

NM_014425.5(INVS):c.2149C>A (p.Pro717Thr)

Gene: INVS (inversin; plus strand). Cytogenetic location: 9q31.1.
Variant type: single nucleotide variant.
Coding change: c.2149C>A on transcript NM_014425.5 (MANE Select); coding-DNA position 2149, C replaced by A.
Protein change: p.Pro717Thr; replaces proline 717 with threonine.
Molecular consequence: missense variant. On other transcripts: non-coding transcript variant (1).
Genome position (GRCh38, 1-based): chr9:100,292,406, C>A. VCF-style: chr9-100292406-C-A. GRCh37 (hg19) VCF-style: chr9-103054688-C-A.
Other names: c.1861C>A, p.Pro621Thr (NM_001318381.2); c.1171C>A, p.Pro391Thr (NM_001318382.2); short protein forms P391T, P717T, P621T.
Identifiers: ClinVar variation 2733095 (VCV002733095.2), dbSNP rs2490114786, ClinGen allele CA374242149.